The following continues an entry in ClinVar:

NM_000059.4(BRCA2):c.9038C>T (p.Thr3013Ile)

Gene: BRCA2. ClinVar aggregate classification (germline): Benign. Benign (1).

Submissions 21 to 29 of 29:

Genome Diagnostics Laboratory, University Medical Center Utrecht
Classification: Benign for Breast-ovarian cancer, familial, susceptibility to, 2. Last evaluated: 2014-10-09. Review status: criteria provided, single submitter. Criteria: ACGS Guidelines, 2013. Collection method: clinical testing. Allele origin: germline. Affected: yes. Study: VKGL Data-share Consensus. Not counted in ClinVar's aggregate classification.

True Health Diagnostics
Classification: Likely benign for Hereditary cancer-predisposing syndrome. Last evaluated: 2017-09-07. Review status: no assertion criteria provided. Collection method: clinical testing. Allele origin: germline. Not counted in ClinVar's aggregate classification.

Counsyl
Classification: Likely benign for Breast-ovarian cancer, familial 2. Last evaluated: 2014-07-03. Review status: no assertion criteria provided. Collection method: literature only. Allele origin: unknown. Inheritance: Autosomal dominant inheritance. Not counted in ClinVar's aggregate classification.

CSER _CC_NCGL, University of Washington
Classification: Likely benign for Breast cancer. Last evaluated: 2014-06-01. Review status: no assertion criteria provided. Collection method: research. Allele origin: germline. Inheritance: Autosomal dominant inheritance. Study: ESP 6500 variant annotation. Not counted in ClinVar's aggregate classification.
Comment: Variants classified for the Actionable exomic incidental findings in 6503 participants: challenges of variant classification manuscript

Biesecker Lab/Clinical Genomics Section, National Institutes of Health
Classification: Likely benign. Last evaluated: 2012-07-13. Review status: no assertion criteria provided. Collection method: research. Allele origin: germline. Affected: no. Observed: 1 variant allele. Study: ClinSeq. Not counted in ClinVar's aggregate classification.
ClinVar note: Converted during submission from probably not pathogenic to Likely benign.

Sharing Clinical Reports Project (SCRP)
Classification: Benign for Breast-ovarian cancer, familial 2. Last evaluated: 2006-03-15. Review status: no assertion criteria provided. Collection method: clinical testing. Allele origin: germline. Not counted in ClinVar's aggregate classification.

Breast Cancer Information Core (BIC) (BRCA2)
Classification: Benign for Breast-ovarian cancer, familial 2. Last evaluated: 2002-05-29. Review status: no assertion criteria provided. Collection method: clinical testing. Allele origin: germline. Affected: yes. Observed: 54 variant alleles. Not counted in ClinVar's aggregate classification.

Department of Pathology and Laboratory Medicine, Sinai Health System
Classification: Benign. Review status: no assertion criteria provided. Collection method: clinical testing. Allele origin: unknown. Affected: yes. Study: The Canadian Open Genetics Repository (COGR). Not counted in ClinVar's aggregate classification.
Comment: The BRCA2 p.Thr3013Ile variant was identified in 5 of 2946 proband chromosomes (frequency: 0.002) from individuals with breast or ovarian cancer (Claes 2004, Diez 2003, Kim 2005). This variant was listed in dbSNP (ID: rs28897755) â€šÃ„ÃºWith probable-non-pathogenic alleleâ€šÃ„Ã¹, and in the Exome Variant Server ESP project with a frequency of 0.0004. It was identified in several populations from the HapMap project, including: HAPMAP-MEX (frequency: 0.03), HapMap-JPT (frequency: 0.012), and HapMap-HCB (frequency: 0.012), increasing the likelihood that this is a low frequency benign variant in certain populations of origin. The variant was also identified in the following databases: HGMD, LOVD, BIC (53X with no clinical importance), and UMD (13X as a neutral variant). In UMD it was twice reported to co-occur with pathogenic mutations in the BRCA1 or BRCA2 genes (BRCA2 c.1257delT (p.Cys419TrpfsX11), BRCA1 c.5266dup (p.Gln1756ProfsX74)), increasing the likelihood that this variant does not have clinical significance. In addition, in silico studies and functional studies predict this that this variant has a neutral effect on BRCA2 protein function (Guidugli 2013, Karachin 2008). The p.Thr3013 residue is not conserved in mammals and lower organisms, and computational analyses (PolyPhen2, SIFT, AlignGVGD, BLOSUM) provide inconsistent predictions regarding the impact to the protein but this information is not very predictive of pathogenicity. In summary, based on the above information, this variant meets our laboratory's criteria to be classified as benign.

Joint Genome Diagnostic Labs from Nijmegen and Maastricht, Radboudumc and MUMC+
Classification: Benign. Review status: no assertion criteria provided. Collection method: clinical testing. Allele origin: germline. Affected: yes. Study: VKGL Data-share Consensus. Not counted in ClinVar's aggregate classification.

Literature cited by the submitters: PubMed 31131967 (cited by Evidence-based Network for the Interpretation of Germline Mutant Alleles (ENIGMA)); PubMed 18284688 (cited by Counsyl); PubMed 19043619 (cited by Counsyl); PubMed 15635067 (cited by Counsyl); PubMed 12955716 (cited by Counsyl); PubMed 10717622 (cited by Counsyl); PubMed 24123850 (cited by Counsyl); PubMed 22476429 (cited by Counsyl); PubMed 23108138 (cited by Counsyl); PubMed 24055113 (cited by Counsyl).